The following is an entry in ClinVar:

NM_007347.5(AP4E1):c.2606A>G (p.Tyr869Cys)

Gene: AP4E1 (adaptor related protein complex 4 subunit epsilon 1; plus strand). Cytogenetic location: 15q21.2.
Variant type: single nucleotide variant.
Coding change: c.2606A>G on transcript NM_007347.5 (MANE Select); coding-DNA position 2606, A replaced by G.
Protein change: p.Tyr869Cys; replaces tyrosine 869 with cysteine.
Molecular consequence: missense variant.
Genome position (GRCh38, 1-based): chr15:50,997,585, A>G. VCF-style: chr15-50997585-A-G. GRCh37 (hg19) VCF-style: chr15-51289782-A-G.
Other names: c.2381A>G, p.Tyr794Cys (NM_001252127.2); short protein forms Y869C, Y794C.
Identifiers: ClinVar variation 2179448 (VCV002179448.4), dbSNP rs2064894891, ClinGen allele CA392420336.

ClinVar aggregate classification (germline): Uncertain significance (1 of 4 stars; one submission).

Conditions:
Spastic paraplegia. Identifiers: MedGen C0037772, HP:0001258.

Allele frequency attached by ClinVar (database versions not stated): TOPMed 0.00001.

Submission:

Labcorp Genetics (formerly Invitae), Labcorp
Classification: Uncertain significance for Spastic paraplegia. Last evaluated: 2022-06-26. Review status: criteria provided, single submitter. Criteria: Invitae Variant Classification Sherloc (09022015). Collection method: clinical testing. Allele origin: germline.
Comment: In summary, the available evidence is currently insufficient to determine the role of this variant in disease. Therefore, it has been classified as a Variant of Uncertain Significance. Algorithms developed to predict the effect of missense changes on protein structure and function (SIFT, PolyPhen-2, Align-GVGD) all suggest that this variant is likely to be tolerated. This variant has not been reported in the literature in individuals affected with AP4E1-related conditions. This variant is not present in population databases (gnomAD no frequency). This sequence change replaces tyrosine, which is neutral and polar, with cysteine, which is neutral and slightly polar, at codon 869 of the AP4E1 protein (p.Tyr869Cys).